The following is an entry in ClinVar:

ClinVar aggregate classification (germline): Uncertain significance. Review status: criteria provided, multiple submitters, no conflicts (2 of 4 stars). 2 submissions from 2 submitters: Uncertain significance (2). Last evaluated 2025-04-07.

Conditions:
Familial melanoma. Also called: Hereditary melanoma; Hereditary cutaneous melanoma. Identifiers: Orphanet 618, MedGen C1512419, MONDO:0018961.
Hereditary cancer-predisposing syndrome. Also called: Tumor predisposition; Hereditary Cancer Syndrome; Hereditary neoplastic syndrome; Neoplastic Syndromes, Hereditary. Identifiers: Orphanet 140162, MedGen C0027672, MeSH D009386, MONDO:0015356.

Submissions (2):

Ambry Genetics
Classification: Uncertain significance for Hereditary cancer-predisposing syndrome. Last evaluated: 2025-04-07. Review status: criteria provided, single submitter. Criteria: Ambry Variant Classification Scheme 2023. Collection method: clinical testing. Allele origin: germline.
Comment: The p.Y103S variant (also known as c.308A>C), located in coding exon 2 of the CDK4 gene, results from an A to C substitution at nucleotide position 308. The tyrosine at codon 103 is replaced by serine, an amino acid with dissimilar properties. This amino acid position is well conserved in available vertebrate species. In addition, the in silico prediction for this alteration is inconclusive. Based on the available evidence, the clinical significance of this variant remains unclear.

Labcorp Genetics (formerly Invitae), Labcorp
Classification: Uncertain significance for Familial melanoma. Last evaluated: 2024-07-29. Review status: criteria provided, single submitter. Criteria: Invitae Variant Classification Sherloc (09022015). Collection method: clinical testing. Allele origin: germline.
Comment: This sequence change replaces tyrosine, which is neutral and polar, with serine, which is neutral and polar, at codon 103 of the CDK4 protein (p.Tyr103Ser). This variant is not present in population databases (gnomAD no frequency). This variant has not been reported in the literature in individuals affected with CDK4-related conditions. ClinVar contains an entry for this variant (Variation ID: 1994235). An algorithm developed to predict the effect of missense changes on protein structure and function (PolyPhen-2) suggests that this variant is likely to be disruptive. In summary, the available evidence is currently insufficient to determine the role of this variant in disease. Therefore, it has been classified as a Variant of Uncertain Significance.

NM_000075.4(CDK4):c.308A>C (p.Tyr103Ser)

Gene: CDK4 (cyclin dependent kinase 4; minus strand). Cytogenetic location: 12q14.1.
Variant type: single nucleotide variant.
Coding change: c.308A>C on transcript NM_000075.4 (MANE Select); coding-DNA position 308, A replaced by C.
Protein change: p.Tyr103Ser; replaces tyrosine 103 with serine.
Molecular consequence: missense variant.
Genome position (GRCh38, 1-based): chr12:57,751,253, T>G on the plus strand (A>C on the coding strand, the complement: CDK4 is on the minus strand). VCF-style: chr12-57751253-T-G. GRCh37 (hg19) VCF-style: chr12-58145036-T-G.
Other names: c.308A>C (NM_000075.3); short protein forms Y103S.
Identifiers: ClinVar variation 1994235 (VCV001994235.5), dbSNP rs2140387323, ClinGen allele CA385547780.